The following is an entry in ClinVar:

NM_003285.3(TNR):c.2230C>T (p.Leu744=)

Gene: TNR (tenascin R; minus strand). Cytogenetic location: 1q25.1.
Variant type: single nucleotide variant.
Coding change: c.2230C>T on transcript NM_003285.3 (MANE Select); coding-DNA position 2230, C replaced by T.
Protein change: p.Leu744=; no amino-acid change (leucine 744 retained).
Molecular consequence: synonymous variant.
Genome position (GRCh38, 1-based): chr1:175,365,962, G>A on the plus strand (C>T on the coding strand, the complement: TNR is on the minus strand). VCF-style: chr1-175365962-G-A. GRCh37 (hg19) VCF-style: chr1-175335098-G-A.
Other names: c.1231C>T, p.Leu411= (NM_001328635.2).
Identifiers: ClinVar variation 752753 (VCV000752753.12), dbSNP rs374910885, ClinGen allele CA1255688.

ClinVar aggregate classification (germline): Likely benign. Review status: criteria provided, multiple submitters, no conflicts (2 of 4 stars). 3 submissions from 3 submitters: Likely benign (3). Last evaluated 2025-06-01.

Allele frequency attached by ClinVar (database versions not stated): TOPMed 0.00005; gnomAD 0.00006.
gnomAD v4.1: 55 of 1,614,166 alleles (0.0034%); highest among the groups gnomAD compares: African/African-American, 0.044%; 1 homozygote.

Submissions (3):

CeGaT Center for Human Genetics Tuebingen
Classification: Likely benign. Last evaluated: 2025-06-01. Review status: criteria provided, single submitter. Criteria: CeGaT Center For Human Genetics Tuebingen Variant Classification Criteria Version 2. Collection method: clinical testing. Allele origin: germline. Affected: yes. Observed: 1 variant allele.
Comment: TNR: BP4

Labcorp Genetics (formerly Invitae), Labcorp
Classification: Likely benign. Last evaluated: 2018-09-27. Review status: criteria provided, single submitter. Criteria: Invitae Variant Classification Sherloc (09022015). Collection method: clinical testing. Allele origin: germline.

Breakthrough Genomics
Classification: Likely benign. Review status: criteria provided, single submitter. Criteria: ACMG Guidelines, 2015. Collection method: not provided. Allele origin: germline. Inheritance: Autosomal recessive inheritance. Affected: yes.